The following is an entry in ClinVar:

ClinVar aggregate classification (germline): Uncertain significance (1 of 4 stars; one submission).

gnomAD v4.1: 12 of 1,614,208 alleles (0.00074%); highest among the groups gnomAD compares: African/African-American, 0.0013%; no homozygotes.

Submission:

Ambry Genetics
Classification: Uncertain significance. Last evaluated: 2025-02-14. Review status: criteria provided, single submitter. Criteria: Ambry Variant Classification Scheme 2023. Collection method: clinical testing. Allele origin: germline.
Comment: The p.G1359D variant (also known as c.4076G>A), located in coding exon 14 of the CDK12 gene, results from a G to A substitution at nucleotide position 4076. The glycine at codon 1359 is replaced by aspartic acid, an amino acid with similar properties. This amino acid position is conserved. In addition, the in silico prediction for this alteration is inconclusive. Based on the available evidence, the clinical significance of this variant remains unclear.

NM_016507.4(CDK12):c.4076G>A (p.Gly1359Asp)

Gene: CDK12 (cyclin dependent kinase 12; plus strand). Cytogenetic location: 17q12.
Variant type: single nucleotide variant.
Coding change: c.4076G>A on transcript NM_016507.4 (MANE Select); coding-DNA position 4076, G replaced by A.
Protein change: p.Gly1359Asp; replaces glycine 1359 with aspartic acid.
Molecular consequence: missense variant.
Genome position (GRCh38, 1-based): chr17:39,530,919, G>A. VCF-style: chr17-39530919-G-A. GRCh37 (hg19) VCF-style: chr17-37687172-G-A.
Other names: c.4049G>A, p.Gly1350Asp (NM_015083.4); short protein forms G1359D, G1350D.
Identifiers: ClinVar variation 3830663 (VCV003830663.1).
Genomic context (GRCh38, chr17:39,530,919, plus strand): 5'-GAAACACTGATGGGCCTGAAACAGGGTTCAGTGCCATTGACACTGATGAACGAAACTCTG[G>A]TCCAGCCTTGACAGAATCCTTGGTCCAGACCCTGGTGAAGAACAGGACCTTCTCAGGCTC-3'
Protein context (NP_057591.2, residues 1349-1369): SAIDTDERNS[Gly1359Asp]PALTESLVQT